The following is an entry in ClinVar:

ClinVar aggregate classification (germline): Uncertain significance. Review status: criteria provided, multiple submitters, no conflicts (2 of 4 stars). 2 submissions from 2 submitters: Uncertain significance (2). Last evaluated 2025-06-17.

Conditions:
Cardiomyopathy (CMYO). Also called: Cardiomyopathies. Identifiers: Orphanet 167848, MedGen C0878544, MONDO:0004994, HP:0001638. Inheritance: Various modes of inheritance.
Cardiovascular phenotype. Identifiers: MedGen CN230736.

Submissions (2):

Color Diagnostics, LLC DBA Color Health
Classification: Uncertain significance for Cardiomyopathy. Last evaluated: 2025-06-17. Review status: criteria provided, single submitter. Criteria: ACMG Guidelines, 2015. Collection method: clinical testing. Allele origin: germline.
Comment: This variant causes an A>C nucleotide substitution at the -2 position of intron 35 of the MYH7 gene. Splice site prediction tools suggest that this variant may have a significant impact on RNA splicing. Although this prediction has not been confirmed in published RNA studies, this variant is expected to result in an absent or disrupted protein product. This variant has not been reported in individuals affected with MYH7-related disorders in the literature. This variant has not been identified in the general population by the Genome Aggregation Database (gnomAD). Clinical relevance of loss-of-function MYH7 truncation and splice variants in autosomal dominant cardiovascular disorders is not clearly established. The available evidence is insufficient to determine the role of this variant in disease conclusively. Therefore, this variant is classified as a Variant of Uncertain Significance.

Ambry Genetics
Classification: Uncertain significance for Cardiovascular phenotype. Last evaluated: 2025-01-13. Review status: criteria provided, single submitter. Criteria: Ambry Variant Classification Scheme 2023. Collection method: clinical testing. Allele origin: germline.
Comment: The c.5158-2A>C intronic variant results from an A to C substitution two nucleotides upstream from coding exon 34 in the MYH7 gene. This nucleotide position is highly conserved in available vertebrate species. In silico splice site analysis predicts that this alteration will weaken the native splice acceptor site and will result in the creation or strengthening of a novel splice acceptor site. Alterations that disrupt the canonical splice site are expected to cause aberrant splicing, resulting in an abnormal protein or a transcript that is subject to nonsense-mediated mRNA decay. However, loss of function of MYH7 has not been established as a mechanism of disease. Based on the available evidence, the clinical significance of this alteration remains unclear.

NM_000257.4(MYH7):c.5158-2A>C

Genes: MHRT (myosin heavy chain associated RNA transcript; plus strand), MYH7 (myosin heavy chain 7; minus strand), LOC126861897 (BRD4-independent group 4 enhancer GRCh37_chr14:23884455-23885654; plus strand). Cytogenetic location: 14q11.2.
Variant type: single nucleotide variant.
Coding change: c.5158-2A>C on transcript NM_000257.4 (MANE Select); the canonical splice acceptor site of the intron before coding-DNA position 5158, A replaced by C.
Molecular consequence: splice acceptor variant.
Genome position (GRCh38, 1-based): chr14:23,415,508, T>G on the plus strand (A>C on the coding strand, the complement: MYH7 is on the minus strand). VCF-style: chr14-23415508-T-G. GRCh37 (hg19) VCF-style: chr14-23884717-T-G.
Other names: c.5158-2A>C (NM_001407004.1).
Identifiers: ClinVar variation 3876490 (VCV003876490.2).